The following is an entry in ClinVar:

NM_182641.4(BPTF):c.6380C>T (p.Thr2127Ile)

Gene: BPTF (bromodomain PHD finger transcription factor; plus strand). Cytogenetic location: 17q24.2.
Variant type: single nucleotide variant.
Coding change: c.6380C>T on transcript NM_182641.4 (MANE Select); coding-DNA position 6380, C replaced by T.
Protein change: p.Thr2127Ile; replaces threonine 2127 with isoleucine.
Molecular consequence: missense variant.
Genome position (GRCh38, 1-based): chr17:67,940,559, C>T. VCF-style: chr17-67940559-C-T. GRCh37 (hg19) VCF-style: chr17-65936675-C-T.
Other names: c.6758C>T, p.Thr2253Ile (NM_004459.7); short protein forms T2127I, T2253I.
Identifiers: ClinVar variation 2442608 (VCV002442608.2), dbSNP rs1176722125, ClinGen allele CA400721216.

ClinVar aggregate classification (germline): Uncertain significance (1 of 4 stars; one submission).

Allele frequency attached by ClinVar (database versions not stated): gnomAD exomes below 0.00001; TOPMed 0.00016.
gnomAD v4.1: 1 of 1,614,130 alleles (0.000062%); highest among the groups gnomAD compares: Non-Finnish European, 0.000085%; no homozygotes.

Submission:

GeneDx
Classification: Uncertain significance. Last evaluated: 2024-09-20. Review status: criteria provided, single submitter. Criteria: GeneDx Variant Classification Process June 2021. Collection method: clinical testing. Allele origin: germline. Affected: yes.
Comment: Not observed at significant frequency in large population cohorts (gnomAD); In silico analysis indicates that this missense variant does not alter protein structure/function; Has not been previously published as pathogenic or benign to our knowledge